The following is an entry in ClinVar:

NM_025215.6(PUS1):c.1147G>A (p.Asp383Asn)

Gene: PUS1 (pseudouridine synthase 1; plus strand). Cytogenetic location: 12q24.33.
Variant type: single nucleotide variant.
Coding change: c.1147G>A on transcript NM_025215.6 (MANE Select); coding-DNA position 1147, G replaced by A.
Protein change: p.Asp383Asn; replaces aspartic acid 383 with asparagine.
Molecular consequence: missense variant.
Genome position (GRCh38, 1-based): chr12:131,941,894, G>A. VCF-style: chr12-131941894-G-A. GRCh37 (hg19) VCF-style: chr12-132426439-G-A.
Other names: c.1063G>A, p.Asp355Asn (NM_001002019.3, NM_001002020.3); short protein forms D355N, D383N.
Identifiers: ClinVar variation 2417253 (VCV002417253.3), dbSNP rs1485237230, ClinGen allele CA387299942.

ClinVar aggregate classification (germline): Uncertain significance (1 of 4 stars; one submission).

Allele frequency attached by ClinVar (database versions not stated): gnomAD exomes below 0.00001.

Submission:

Labcorp Genetics (formerly Invitae), Labcorp
Classification: Uncertain significance. Last evaluated: 2022-07-19. Review status: criteria provided, single submitter. Criteria: Invitae Variant Classification Sherloc (09022015). Collection method: clinical testing. Allele origin: germline.
Comment: This sequence change replaces aspartic acid, which is acidic and polar, with asparagine, which is neutral and polar, at codon 383 of the PUS1 protein (p.Asp383Asn). This variant is present in population databases (no rsID available, gnomAD 0.003%). This variant has not been reported in the literature in individuals affected with PUS1-related conditions. Algorithms developed to predict the effect of missense changes on protein structure and function (SIFT, PolyPhen-2, Align-GVGD) all suggest that this variant is likely to be tolerated. In summary, the available evidence is currently insufficient to determine the role of this variant in disease. Therefore, it has been classified as a Variant of Uncertain Significance.